The following is an entry in ClinVar:

ClinVar aggregate classification (germline): Uncertain significance (1 of 4 stars; one submission).

Conditions:
Myofibrillar myopathy 4. Also called: Zaspopathy (type). Identifiers: Orphanet 98912, MedGen C4721886, MONDO:0012277, OMIM 609452.

Submission:

Labcorp Genetics (formerly Invitae), Labcorp
Classification: Uncertain significance for Myofibrillar myopathy 4. Last evaluated: 2023-05-10. Review status: criteria provided, single submitter. Criteria: Invitae Variant Classification Sherloc (09022015). Collection method: clinical testing. Allele origin: germline.
Comment: This sequence change falls in intron 12 of the LDB3 gene. It does not directly change the encoded amino acid sequence of the LDB3 protein. This variant is not present in population databases (gnomAD no frequency). This variant has not been reported in the literature in individuals affected with LDB3-related conditions. In summary, the available evidence is currently insufficient to determine the role of this variant in disease. Therefore, it has been classified as a Variant of Uncertain Significance. The LDB3 gene has multiple clinically relevant transcripts. This variant occurs in alternate transcript NM_007078.3, and corresponds to NM_001080116.1:c.*19490G>A in the primary transcript.

NM_007078.3(LDB3):c.1978+17G>A

Gene: LDB3 (LIM domain binding 3; plus strand). Cytogenetic location: 10q23.2.
Variant type: single nucleotide variant.
Coding change: c.1978+17G>A on transcript NM_007078.3 (MANE Select); 17 bases into the intron after coding-DNA position 1978, G replaced by A.
Molecular consequence: intron variant.
Genome position (GRCh38, 1-based): chr10:86,718,864, G>A. VCF-style: chr10-86718864-G-A. GRCh37 (hg19) VCF-style: chr10-88478621-G-A.
Other names: c.1789+17G>A (NM_001368064.1, NM_001368065.1); c.1993+17G>A (NM_001171610.2); c.1837+17G>A (NM_001368066.1); c.1648+17G>A (NM_001080114.2).
Identifiers: ClinVar variation 2863160 (VCV002863160.3), dbSNP rs2492820778, ClinGen allele CA2739275906.
Genomic context (GRCh38, chr10:86,718,864, plus strand): 5'-CAGCCTCTTCCACATGGAAGACGGGGAGCCCTACTGCGAGAAAGGTAGGAACACTTCGAT[G>A]GCATGTGGGGAGGCCCCACAGCCTGGGAGAAAGGGGCAGGCACAGGGAACTAACTCCTGC-3'